The following is an entry in ClinVar:

ClinVar aggregate classification (germline): Uncertain significance (1 of 4 stars; one submission).

Conditions:
Senior-Loken syndrome 7 (SLSN7). Identifiers: Orphanet 3156, MedGen C3150877, MONDO:0013326, OMIM 613615.
Bardet-Biedl syndrome 16 (BBS16). Identifiers: Orphanet 110, MedGen C3889474, MONDO:0014444, OMIM 615993.

Allele frequency attached by ClinVar (database versions not stated): gnomAD exomes below 0.00001; TOPMed below 0.00001; gnomAD 0.00001.
gnomAD v4.1: 2 of 1,613,754 alleles (0.00012%); highest among the groups gnomAD compares: Non-Finnish European, 0.00017%; no homozygotes.

Submission:

Labcorp Genetics (formerly Invitae), Labcorp
Classification: Uncertain significance for Bardet-Biedl syndrome 16; Senior-Loken syndrome 7. Last evaluated: 2020-10-08. Review status: criteria provided, single submitter. Criteria: Invitae Variant Classification Sherloc (09022015). Collection method: clinical testing. Allele origin: germline.
Comment: This variant is not present in population databases (ExAC no frequency). This sequence change replaces valine with glutamic acid at codon 655 of the SDCCAG8 protein (p.Val655Glu). The valine residue is weakly conserved and there is a moderate physicochemical difference between valine and glutamic acid. This variant has not been reported in the literature in individuals with SDCCAG8-related conditions. In summary, the available evidence is currently insufficient to determine the role of this variant in disease. Therefore, it has been classified as a Variant of Uncertain Significance. Algorithms developed to predict the effect of missense changes on protein structure and function are either unavailable or do not agree on the potential impact of this missense change (SIFT: "Tolerated"; PolyPhen-2: "Possibly Damaging"; Align-GVGD: "Class C0").

NM_006642.5(SDCCAG8):c.1964T>A (p.Val655Glu)

Gene: SDCCAG8 (SHH signaling and ciliogenesis regulator SDCCAG8; plus strand). Cytogenetic location: 1q43.
Variant type: single nucleotide variant.
Coding change: c.1964T>A on transcript NM_006642.5 (MANE Select); coding-DNA position 1964, T replaced by A.
Protein change: p.Val655Glu; replaces valine 655 with glutamic acid.
Molecular consequence: missense variant.
Genome position (GRCh38, 1-based): chr1:243,426,537, T>A. VCF-style: chr1-243426537-T-A. GRCh37 (hg19) VCF-style: chr1-243589839-T-A.
Other names: c.1061T>A, p.Val354Glu (NM_001350246.2, NM_001350247.2, NM_001350251.2); c.2060T>A, p.Val687Glu (NM_001350248.2); c.1670T>A, p.Val557Glu (NM_001350249.2); short protein forms V354E, V687E, V655E, V557E.
Identifiers: ClinVar variation 1041729 (VCV001041729.8), dbSNP rs1415587153, ClinGen allele CA345667889.